The following is an entry in ClinVar:

NM_053025.4(MYLK):c.572A>G (p.Gln191Arg)

Gene: MYLK (myosin light chain kinase; minus strand). Cytogenetic location: 3q21.1.
Variant type: single nucleotide variant.
Coding change: c.572A>G on transcript NM_053025.4 (MANE Select); coding-DNA position 572, A replaced by G.
Protein change: p.Gln191Arg; replaces glutamine 191 with arginine.
Molecular consequence: missense variant.
Genome position (GRCh38, 1-based): chr3:123,738,913, T>C on the plus strand (A>G on the coding strand, the complement: MYLK is on the minus strand). VCF-style: chr3-123738913-T-C. GRCh37 (hg19) VCF-style: chr3-123457760-T-C.
Other names: c.44A>G, p.Gln15Arg (NM_001321309.2); c.572A>G, p.Gln191Arg (NM_053026.4, NM_053027.4, NM_053028.4); short protein forms Q15R, Q191R.
Identifiers: ClinVar variation 5025210 (VCV005025210.1).
Genomic context (GRCh38, chr3:123,738,913, plus strand): 5'-ACTAATACAGGCTGGATCAGGGTCAGGGCAGACAGAAACCTCACCTTGAGCCAGGTGACC[T>C]GCGGTTGGGGCCGGCCAGTGATCTTGCAGGAGAATCGTCCCATCTGTCCTTCTTTGACCA-3'
Protein context (NP_444253.3, residues 181-201): SCKITGRPQP[Gln191Arg]VTWLKGNVPL

ClinVar aggregate classification (germline): Uncertain significance (1 of 4 stars; one submission).

Conditions:
Familial thoracic aortic aneurysm and aortic dissection (TAAD). Also called: Thoracic aortic aneurysms and dissections. Identifiers: Orphanet 91387, MedGen C4707243, MONDO:0019625.

Submission:

Ambry Genetics
Classification: Uncertain significance for Familial thoracic aortic aneurysm and aortic dissection. Last evaluated: 2026-08-16. Review status: criteria provided, single submitter. Criteria: Ambry Variant Classification Scheme 2023. Collection method: clinical testing. Allele origin: germline.
Comment: The p.Q191R variant (also known as c.572A>G), located in coding exon 4 of the MYLK gene, results from an A to G substitution at nucleotide position 572. The glutamine at codon 191 is replaced by arginine, an amino acid with highly similar properties. This amino acid position is conserved. In addition, this alteration is predicted to be tolerated by in silico analysis. Based on the available evidence, the clinical significance of this variant remains unclear.